The following is an entry in ClinVar:

NM_000492.4(CFTR):c.49_50dup (p.Trp19fs)

Gene: CFTR (CF transmembrane conductance regulator; plus strand). Cytogenetic location: 7q31.2.
Variant type: Duplication.
Coding change: c.49_50dup on transcript NM_000492.4 (MANE Select); coding-DNA positions 49 to 50, 2 bases duplicated (TT; older notation c.49_50dupTT).
Protein change: p.Trp19fs; shifts the reading frame from tryptophan 19.
Molecular consequence: frameshift variant.
Genome position (GRCh38, 1-based): chr7:117,480,143-117,480,144, TT duplicated; duplicating any 2 consecutive bases within chr7:117,480,138-117,480,144 gives the same sequence; the c. name uses the placement nearest the transcript's 3' end. VCF-style (leftmost placement, unchanged base first): chr7-117480137-C-CTT. GRCh37 (hg19) VCF-style: chr7-117120191-C-CTT.
Other names: c.49_50dupTT (NM_000492.3); short protein forms W19fs.
Identifiers: ClinVar variation 53979 (VCV000053979.14), dbSNP rs397508714, ClinGen allele CA327540.

ClinVar aggregate classification (germline): Pathogenic. Review status: criteria provided, multiple submitters, no conflicts (2 of 4 stars). 5 submissions from 5 submitters: Pathogenic (4). 1 of the submissions does not count toward it. Last evaluated 2024-11-15.

Conditions:
CFTR-related disorder (CFTR-RD). Also called: CFTR-related condition; CFTR-related disorders. Identifiers: MedGen C5924204, MONDO:7770004.
Cystic fibrosis (CF). Also called: MUCOVISCIDOSIS. Identifiers: Orphanet 586, MedGen C0010674, MONDO:0009061, OMIM 219700. Disease mechanism: loss of function.

Submissions (5):

Natera, Inc.
Classification: Pathogenic for CFTR-related disorders. Last evaluated: 2024-11-15. Review status: criteria provided, single submitter. Criteria: Natera Variant Classification Schema (03/2026). Collection method: clinical testing. Allele origin: germline.
Comment: The c.49_50dupTT variant in CFTR is a frameshift variant predicted to shift the reading frame beginning at codon 19 and leads to a stop codon 7 codons downstream. This variant is expected to result in nonsense mediated decay, truncation, or a dysfunctional protein product. This variant is rare in the general population with a frequency below the threshold expected for the associated phenotype(s). This variant has been observed in one or more individuals affected with the associated recessive disease, as either homozygous or compound heterozygous with a second variant (PMID: 27022295). Given the available evidence, this variant is classified as Pathogenic.

Labcorp Genetics (formerly Invitae), Labcorp
Classification: Pathogenic for Cystic fibrosis. Last evaluated: 2021-06-02. Review status: criteria provided, single submitter. Criteria: Invitae Variant Classification Sherloc (09022015). Collection method: clinical testing. Allele origin: germline.
Comment: This variant is not present in population databases (ExAC no frequency). This sequence change creates a premature translational stop signal (p.Trp19Alafs*7) in the CFTR gene. It is expected to result in an absent or disrupted protein product. Loss-of-function variants in CFTR are known to be pathogenic (PMID: 1695717, 7691345, 9725922). This variant has been observed in individual(s) with cystic fibrosis (PMID: 27022295). ClinVar contains an entry for this variant (Variation ID: 53979). For these reasons, this variant has been classified as Pathogenic.

Eurofins Ntd Llc (ga)
Classification: Pathogenic. Last evaluated: 2018-04-27. Review status: criteria provided, single submitter. Criteria: EGL ClinVar v180209 classification definitions. Collection method: clinical testing. Allele origin: germline.

CFTR-France
Classification: Pathogenic for cystic fibrosis. Last evaluated: 2018-01-29. Review status: criteria provided, single submitter. Criteria: Claustres M et al. (Hum Mutat 2017). Collection method: curation. Allele origin: germline. Affected: yes.

Unidad de Estudios Geneticos y Forenses, Instituto Venezolano de Investigaciones Cientificas
Classification: Pathogenic for Cystic fibrosis. Last evaluated: 2013-10-01. Review status: no assertion criteria provided. Collection method: research. Allele origin: unknown. Affected: yes. Observed: 1 variant allele. Study: CFTR variants in Venezuelan CF patients. Not counted in ClinVar's aggregate classification.
Comment: Identification of cystic fibrosis-causing mutations in the CFTR gene for use in screening of a Venezuelan population

Literature cited by the submitters: PubMed 27022295 (cited by 3 submitters); PubMed 1695717 (cited by Labcorp Genetics (formerly Invitae), Labcorp); PubMed 7691345 (cited by Labcorp Genetics (formerly Invitae), Labcorp); PubMed 9725922 (cited by Labcorp Genetics (formerly Invitae), Labcorp); PubMed 26293390 (cited by Eurofins Ntd Llc (ga)).